The following is an entry in ClinVar:

ClinVar aggregate classification (germline): Uncertain significance (1 of 4 stars; one submission).

Submission:

Labcorp Genetics (formerly Invitae), Labcorp
Classification: Uncertain significance. Last evaluated: 2022-01-06. Review status: criteria provided, single submitter. Criteria: Invitae Variant Classification Sherloc (09022015). Collection method: clinical testing. Allele origin: germline.
Comment: In summary, the available evidence is currently insufficient to determine the role of this variant in disease. Therefore, it has been classified as a Variant of Uncertain Significance. Algorithms developed to predict the effect of missense changes on protein structure and function are either unavailable or do not agree on the potential impact of this missense change (SIFT: "Not Available"; PolyPhen-2: "Benign"; Align-GVGD: "Not Available"). This variant has not been reported in the literature in individuals affected with RIPK1-related conditions. This variant is not present in population databases (gnomAD no frequency). This sequence change replaces proline, which is neutral and non-polar, with serine, which is neutral and polar, at codon 425 of the RIPK1 protein (p.Pro425Ser).

NM_001354930.2(RIPK1):c.1273C>T (p.Pro425Ser)

Gene: RIPK1 (receptor interacting serine/threonine kinase 1; plus strand). Cytogenetic location: 6p25.2.
Variant type: single nucleotide variant.
Coding change: c.1273C>T on transcript NM_001354930.2 (MANE Select); coding-DNA position 1273, C replaced by T.
Protein change: p.Pro425Ser; replaces proline 425 with serine.
Molecular consequence: missense variant.
Genome position (GRCh38, 1-based): chr6:3,105,748, C>T. VCF-style: chr6-3105748-C-T. GRCh37 (hg19) VCF-style: chr6-3105982-C-T.
Other names: c.784C>T, p.Pro262Ser (NM_001317061.3, NM_001354932.2, NM_001354933.2 and 1 more transcripts); c.1135C>T, p.Pro379Ser (NM_001354931.2); c.1273C>T, p.Pro425Ser (NM_003804.6); short protein forms P425S, P262S, P379S.
Identifiers: ClinVar variation 1508854 (VCV001508854.8), dbSNP rs2113695138, ClinGen allele CA362572328.
Genomic context (GRCh38, chr6:3,105,748, plus strand): 5'-TACAACAGAGAGGAGGAAAGGAGACGCAGGGTCTCCCATGACCCTTTTGCACAGCAAAGA[C>T]CTTACGAGAATTTTCAGAATACAGAGGGAAAAGGCACTGCTTATTCCAGTGCAGCCAGTC-3'
Protein context (NP_001341859.1, residues 415-435): VSHDPFAQQR[Pro425Ser]YENFQNTEGK